The following is an entry in ClinVar:

NM_001903.5(CTNNA1):c.2195G>C (p.Gly732Ala)

Gene: CTNNA1 (catenin alpha 1; plus strand). Cytogenetic location: 5q31.2.
Variant type: single nucleotide variant.
Coding change: c.2195G>C on transcript NM_001903.5 (MANE Select); coding-DNA position 2195, G replaced by C.
Protein change: p.Gly732Ala; replaces glycine 732 with alanine.
Molecular consequence: missense variant.
Genome position (GRCh38, 1-based): chr5:138,930,832, G>C. VCF-style: chr5-138930832-G-C. GRCh37 (hg19) VCF-style: chr5-138266521-G-C.
Other names: c.746G>C, p.Gly249Ala (NM_001324009.1, NM_001324010.1, NM_001324006.1 and 2 more transcripts); c.992G>C, p.Gly331Ala (NM_001324011.1); c.842G>C, p.Gly281Ala (NM_001324012.1, NM_001324013.1); c.2195G>C, p.Gly732Ala (NM_001290307.3, NM_001323982.2, NM_001323983.1 and 2 more transcripts); c.1886G>C, p.Gly629Ala (NM_001290309.3); c.1826G>C, p.Gly609Ala (NM_001290310.3); c.1085G>C, p.Gly362Ala (NM_001290312.1, NM_001323987.1, NM_001323988.1 and 17 more transcripts); c.2102G>C, p.Gly701Ala (NM_001323986.2); short protein forms G629A, G249A, G281A, G331A, G701A, G732A, G362A, G609A.
Identifiers: ClinVar variation 4635431 (VCV004635431.1).

ClinVar aggregate classification (germline): Uncertain significance (1 of 4 stars; one submission).

Conditions:
Hereditary cancer-predisposing syndrome. Also called: Neoplastic Syndromes, Hereditary; Tumor predisposition; Hereditary Cancer Syndrome; Hereditary neoplastic syndrome. Identifiers: Orphanet 140162, MedGen C0027672, MeSH D009386, MONDO:0015356.

Submission:

Ambry Genetics
Classification: Uncertain significance for Hereditary cancer-predisposing syndrome. Last evaluated: 2025-10-10. Review status: criteria provided, single submitter. Criteria: Ambry Variant Classification Scheme 2023. Collection method: clinical testing. Allele origin: germline.
Comment: The p.G732A variant (also known as c.2195G>C), located in coding exon 15 of the CTNNA1 gene, results from a G to C substitution at nucleotide position 2195. The glycine at codon 732 is replaced by alanine, an amino acid with similar properties. This amino acid position is conserved. In addition, this alteration is predicted to be deleterious by in silico analysis. Based on the available evidence, the clinical significance of this variant remains unclear.